The following is an entry in ClinVar:

NM_001330723.2(SNX27):c.53G>C (p.Gly18Ala)

Genes: SNX27 (sorting nexin 27; plus strand), LOC129931442 (ATAC-STARR-seq lymphoblastoid silent region 1324; plus strand). Cytogenetic location: 1q21.3.
Variant type: single nucleotide variant.
Coding change: c.53G>C on transcript NM_001330723.2 (MANE Select); coding-DNA position 53, G replaced by C.
Protein change: p.Gly18Ala; replaces glycine 18 with alanine.
Molecular consequence: missense variant.
Genome position (GRCh38, 1-based): chr1:151,612,254, G>C. VCF-style: chr1-151612254-G-C. GRCh37 (hg19) VCF-style: chr1-151584730-G-C.
Other names: c.53G>C, p.Gly18Ala (NM_030918.6); short protein forms G18A.
Identifiers: ClinVar variation 1018332 (VCV001018332.9), dbSNP rs1009193539, ClinGen allele CA30493482.

ClinVar aggregate classification (germline): Uncertain significance (1 of 4 stars; one submission).

Conditions:
Severe myoclonic epilepsy in infancy (DRVT). Also called: Dravet syndrome; Epileptic encephalopathy, early infantile, 6 (Dravet syndrome); SEVERE MYOCLONIC EPILEPSY OF INFANCY; DEVELOPMENTAL AND EPILEPTIC ENCEPHALOPATHY 6A; Severe Myoclonic Epilepsy in Infancy (SMEI). Identifiers: Orphanet 33069, MedGen C0751122, MONDO:0100135, OMIM 607208.

Allele frequency attached by ClinVar (database versions not stated): gnomAD exomes below 0.00001; gnomAD 0.00001; TOPMed 0.00001.
gnomAD v4.1: 7 of 1,444,868 alleles (0.00048%); highest among the groups gnomAD compares: African/African-American, 0.0015%; no homozygotes.

Submission:

Labcorp Genetics (formerly Invitae), Labcorp
Classification: Uncertain significance for Severe myoclonic epilepsy in infancy. Last evaluated: 2024-10-30. Review status: criteria provided, single submitter. Criteria: Invitae Variant Classification Sherloc (09022015). Collection method: clinical testing. Allele origin: germline.
Comment: This sequence change replaces glycine, which is neutral and non-polar, with alanine, which is neutral and non-polar, at codon 18 of the SNX27 protein (p.Gly18Ala). This variant is present in population databases (no rsID available, gnomAD 0.01%). This variant has not been reported in the literature in individuals affected with SNX27-related conditions. ClinVar contains an entry for this variant (Variation ID: 1018332). An algorithm developed to predict the effect of missense changes on protein structure and function (PolyPhen-2) suggests that this variant is likely to be tolerated. In summary, the available evidence is currently insufficient to determine the role of this variant in disease. Therefore, it has been classified as a Variant of Uncertain Significance.